The following is an entry in ClinVar:

NM_001042492.3(NF1):c.368C>A (p.Thr123Asn)

Gene: NF1 (neurofibromin 1; plus strand). Cytogenetic location: 17q11.2.
Variant type: single nucleotide variant.
Coding change: c.368C>A on transcript NM_001042492.3 (MANE Select); coding-DNA position 368, C replaced by A.
Protein change: p.Thr123Asn; replaces threonine 123 with asparagine.
Molecular consequence: missense variant.
Genome position (GRCh38, 1-based): chr17:31,163,265, C>A. VCF-style: chr17-31163265-C-A. GRCh37 (hg19) VCF-style: chr17-29490283-C-A.
Other names: c.368C>A, p.Thr123Asn (NM_000267.4, NM_001128147.3); short protein forms T123N.
Identifiers: ClinVar variation 640438 (VCV000640438.10), dbSNP rs878853886, ClinGen allele CA398981802.
Genomic context (GRCh38, chr17:31,163,265, plus strand): 5'-GATTAGATGAAACGATGCTGGTCAAACAGTTGCTGCCAGAAATCTGCCATTTTCTTCACA[C>A]CTGTCGTGAAGGAAACCAGCATGCAGCTGAACTTCGGAATTCTGCCTCTGGGGTTTTATT-3'
Protein context (NP_001035957.1, residues 113-133): LLPEICHFLH[Thr123Asn]CREGNQHAAE

ClinVar aggregate classification (germline): Uncertain significance. Review status: criteria provided, multiple submitters, no conflicts (2 of 4 stars). 2 submissions from 2 submitters: Uncertain significance (2). Last evaluated 2024-08-28.

Conditions:
Hereditary cancer-predisposing syndrome. Also called: Neoplastic Syndromes, Hereditary; Hereditary Cancer Syndrome; Hereditary neoplastic syndrome; Tumor predisposition. Identifiers: Orphanet 140162, MedGen C0027672, MeSH D009386, MONDO:0015356.
Cardiovascular phenotype. Identifiers: MedGen CN230736.
Neurofibromatosis, type 1 (NF1). Also called: NEUROFIBROMATOSIS, TYPE I, SOMATIC; VON RECKLINGHAUSEN DISEASE; Neurofibromatosis, type I; Peripheral type neurofibromatosis. Identifiers: Orphanet 636, MedGen C0027831, MONDO:0018975, OMIM 162200. Disease mechanism: loss of function.

gnomAD v4.1: 6 of 1,614,062 alleles (0.00037%); highest among the groups gnomAD compares: Non-Finnish European, 0.00051%; no homozygotes.

Submissions (2):

Labcorp Genetics (formerly Invitae), Labcorp
Classification: Uncertain significance for Neurofibromatosis, type 1. Last evaluated: 2024-08-28. Review status: criteria provided, single submitter. Criteria: Invitae Variant Classification Sherloc (09022015). Collection method: clinical testing. Allele origin: germline.
Comment: This sequence change replaces threonine, which is neutral and polar, with asparagine, which is neutral and polar, at codon 123 of the NF1 protein (p.Thr123Asn). This variant is not present in population databases (gnomAD no frequency). This variant has not been reported in the literature in individuals affected with NF1-related conditions. ClinVar contains an entry for this variant (Variation ID: 640438). Invitae Evidence Modeling of protein sequence and biophysical properties (such as structural, functional, and spatial information, amino acid conservation, physicochemical variation, residue mobility, and thermodynamic stability) has been performed for this missense variant. However, the output from this modeling did not meet the statistical confidence thresholds required to predict the impact of this variant on NF1 protein function. In summary, the available evidence is currently insufficient to determine the role of this variant in disease. Therefore, it has been classified as a Variant of Uncertain Significance.

Ambry Genetics
Classification: Uncertain significance for Cardiovascular phenotype; Hereditary cancer-predisposing syndrome. Last evaluated: 2024-01-05. Review status: criteria provided, single submitter. Criteria: Ambry Variant Classification Scheme 2023. Collection method: clinical testing. Allele origin: germline.
Comment: The p.T123N variant (also known as c.368C>A), located in coding exon 4 of the NF1 gene, results from a C to A substitution at nucleotide position 368. The threonine at codon 123 is replaced by asparagine, an amino acid with similar properties. This variant was reported in 0/60,466 breast cancer cases and in 1/53,461 controls (Dorling et al. N Engl J Med. 2021 02;384:428-439). This amino acid position is well conserved in available vertebrate species. In addition, the in silico prediction for this alteration is inconclusive. Since supporting evidence is limited at this time, the clinical significance of this alteration remains unclear.